The following is an entry in ClinVar:

NM_032531.4(KIRREL3):c.346A>C (p.Arg116=)

Gene: KIRREL3 (kirre like nephrin family adhesion molecule 3; minus strand). Cytogenetic location: 11q24.2.
Variant type: single nucleotide variant.
Coding change: c.346A>C on transcript NM_032531.4 (MANE Select); coding-DNA position 346, A replaced by C.
Protein change: p.Arg116=; no amino-acid change (arginine 116 retained).
Molecular consequence: synonymous variant.
Genome position (GRCh38, 1-based): chr11:126,521,402, T>G on the plus strand (A>C on the coding strand, the complement: KIRREL3 is on the minus strand). VCF-style: chr11-126521402-T-G. GRCh37 (hg19) VCF-style: chr11-126391297-T-G.
Other names: c.346A>C, p.Arg116= (NM_001161707.2, NM_001301097.2).
Identifiers: ClinVar variation 129427 (VCV000129427.8), dbSNP rs12269776, ClinGen allele CA153414.

ClinVar aggregate classification (germline): Benign. Review status: criteria provided, multiple submitters, no conflicts (2 of 4 stars). 3 submissions from 3 submitters: Benign (2). 1 of the submissions does not count toward it. Last evaluated 2019-03-23.

Allele frequency attached by ClinVar (database versions not stated): 1000 Genomes Project 30x 0.23157; ExAC 0.27042; ESP Exome Variant Server 0.27995; gnomAD 0.28200 and 0.27148; 1000 Genomes Project 0.22484; gnomAD exomes 0.19034; TOPMed 0.28758.
gnomAD v4.1: 344,259 of 1,570,166 alleles (22%); highest among the groups gnomAD compares: African/African-American, 46%; 41,731 homozygotes.

Submissions (3):

GeneDx
Classification: Benign. Last evaluated: 2019-03-23. Review status: criteria provided, single submitter. Criteria: GeneDx Variant Classification Process June 2021. Collection method: clinical testing. Allele origin: germline. Affected: yes.

Breakthrough Genomics
Classification: Benign. Review status: criteria provided, single submitter. Criteria: ACMG Guidelines, 2015. Collection method: not provided. Allele origin: germline. Inheritance: Unknown mechanism. Affected: yes.

Genetic Services Laboratory, University of Chicago
Classification: Likely benign for AllHighlyPenetrant. Review status: no assertion criteria provided. Collection method: clinical testing. Allele origin: germline. Inheritance: Autosomal dominant inheritance. Not counted in ClinVar's aggregate classification.
Comment: Likely benign based on allele frequency in 1000 Genomes Project or ESP global frequency and its presence in a patient with a rare or unrelated disease phenotype. NOT Sanger confirmed.